The following is an entry in ClinVar:

ClinVar aggregate classification (germline): Likely pathogenic (1 of 4 stars; one submission).

Conditions:
Brain small vessel disease 2A, autosomal dominant. Also called: Porencephaly 2. Identifiers: Orphanet 2940, Orphanet 99810, MedGen C3280970, MONDO:0013773, OMIM 614483.

Submission:

Department of Neurology, Zibo Changguo Hospital
Classification: Likely pathogenic for Brain small vessel disease 2A, autosomal dominant. Last evaluated: 2025-01-08. Review status: criteria provided, single submitter. Criteria: ACMG Guidelines, 2015. Collection method: clinical testing. Allele origin: maternal. Inheritance: Autosomal dominant inheritance. Affected: yes.
Comment: PVS1, PM2_Supporting

NM_001846.4(COL4A2):c.1485del (p.Pro496fs)

Genes: COL4A2 (collagen type IV alpha 2 chain; plus strand), COL4A2-AS2 (COL4A2 antisense RNA 2; minus strand). Cytogenetic location: 13q34.
Variant type: Deletion.
Coding change: c.1485del on transcript NM_001846.4 (MANE Select); coding-DNA position 1485, one base deleted (T; older notation c.1485delT).
Protein change: p.Pro496fs; shifts the reading frame from proline 496.
Molecular consequence: frameshift variant.
Genome position (GRCh38, 1-based): chr13:110,458,823, T deleted; the last of 2 consecutive T bases (chr13:110,458,822-110,458,823); deleting either gives the same sequence. VCF-style (leftmost placement, unchanged base first): chr13-110458821-CT-C. GRCh37 (hg19) VCF-style: chr13-111111168-CT-C.
Other names: short protein forms P496fs.
Identifiers: ClinVar variation 3770213 (VCV003770213.1).